The following is an entry in ClinVar:

NM_003072.5(SMARCA4):c.284G>A (p.Gly95Glu)

Gene: SMARCA4 (SWI/SNF related BAF chromatin remodeling complex subunit ATPase 4; plus strand). Cytogenetic location: 19p13.2.
Variant type: single nucleotide variant.
Coding change: c.284G>A on transcript NM_003072.5 (MANE Select); coding-DNA position 284, G replaced by A.
Protein change: p.Gly95Glu; replaces glycine 95 with glutamic acid.
Molecular consequence: missense variant. On other transcripts: non-coding transcript variant (1).
Genome position (GRCh38, 1-based): chr19:10,985,334, G>A. VCF-style: chr19-10985334-G-A. GRCh37 (hg19) VCF-style: chr19-11096010-G-A.
Other names: c.284G>A, p.Gly95Glu (NM_001128844.3, NM_001128845.2, NM_001128846.2 and 6 more transcripts); short protein forms G95E.
Identifiers: ClinVar variation 2846192 (VCV002846192.3), dbSNP rs2145750485, ClinGen allele CA404055215.

ClinVar aggregate classification (germline): Uncertain significance (1 of 4 stars; one submission).

Conditions:
Rhabdoid tumor predisposition syndrome 2 (RTPS2). Identifiers: Orphanet 231108, Orphanet 69077, MedGen C2750074, MONDO:0013224, OMIM 613325.

Submission:

Labcorp Genetics (formerly Invitae), Labcorp
Classification: Uncertain significance for Rhabdoid tumor predisposition syndrome 2. Last evaluated: 2023-03-16. Review status: criteria provided, single submitter. Criteria: Invitae Variant Classification Sherloc (09022015). Collection method: clinical testing. Allele origin: germline.
Comment: In summary, the available evidence is currently insufficient to determine the role of this variant in disease. Therefore, it has been classified as a Variant of Uncertain Significance. Advanced modeling of protein sequence and biophysical properties (such as structural, functional, and spatial information, amino acid conservation, physicochemical variation, residue mobility, and thermodynamic stability) has been performed at Invitae for this missense variant, however the output from this modeling did not meet the statistical confidence thresholds required to predict the impact of this variant on SMARCA4 protein function. This variant has not been reported in the literature in individuals affected with SMARCA4-related conditions. This variant is not present in population databases (gnomAD no frequency). This sequence change replaces glycine, which is neutral and non-polar, with glutamic acid, which is acidic and polar, at codon 95 of the SMARCA4 protein (p.Gly95Glu).